The following is an entry in ClinVar:

NM_001082538.3(TCTN1):c.712+1G>A

Gene: TCTN1 (tectonic family member 1; plus strand). Cytogenetic location: 12q24.11.
Variant type: single nucleotide variant.
Coding change: c.712+1G>A on transcript NM_001082538.3 (MANE Select); the canonical splice donor site of the intron after coding-DNA position 712, G replaced by A.
Molecular consequence: splice donor variant.
Genome position (GRCh38, 1-based): chr12:110,632,560, G>A. VCF-style: chr12-110632560-G-A. GRCh37 (hg19) VCF-style: chr12-111070365-G-A.
Other names: c.544+1G>A (NM_001173975.3); c.532+1G>A (NM_001173976.2); c.178+1G>A (NM_001319681.2); c.712+1G>A (NM_024549.6, NM_001082537.3, NM_001319680.2).
Identifiers: ClinVar variation 1343515 (VCV001343515.7), dbSNP rs200863258, ClinGen allele CA6786671.

ClinVar aggregate classification (germline): Likely pathogenic. Review status: criteria provided, multiple submitters, no conflicts (2 of 4 stars). 3 submissions from 3 submitters: Likely pathogenic (3). Last evaluated 2025-12-22.

Conditions:
Joubert syndrome. Also called: Familial aplasia of the vermis; JOUBERT-BOLTSHAUSER SYNDROME. Identifiers: Orphanet 475, MedGen C5979921, MONDO:0018772.
Meckel-Gruber syndrome. Also called: GRUBER SYNDROME; Dysencephalia splachnocystica; DYSENCEPHALIA SPLANCHNOCYSTICA. Identifiers: Orphanet 564, MedGen C0265215, MONDO:0018921.
TCTN1-related disorder. Also called: TCTN1-related condition.
Joubert syndrome and related disorders. Identifiers: Orphanet 140874, MedGen C5679612, MONDO:0015369.

Allele frequency attached by ClinVar (database versions not stated): gnomAD exomes 0.00001 and 0.00003; ExAC 0.00002; TOPMed 0.00003; gnomAD 0.00004; ESP Exome Variant Server 0.00017.
gnomAD v4.1: 53 of 1,613,580 alleles (0.0033%); highest among the groups gnomAD compares: Non-Finnish European, 0.0042%; no homozygotes.

Submissions (3):

Labcorp Genetics (formerly Invitae), Labcorp
Classification: Likely pathogenic for Joubert syndrome; Meckel-Gruber syndrome. Last evaluated: 2025-12-22. Review status: criteria provided, single submitter. Criteria: Invitae Variant Classification Sherloc (09022015). Collection method: clinical testing. Allele origin: germline.
Comment: This sequence change affects a donor splice site in intron 5 of the TCTN1 gene. It is expected to disrupt RNA splicing. Variants that disrupt the donor or acceptor splice site typically lead to a loss of protein function (PMID: 16199547), and loss-of-function variants in TCTN1 are known to be pathogenic (PMID: 21725307, 22693042, 27894351). This variant is present in population databases (rs200863258, gnomAD 0.004%). This variant has not been reported in the literature in individuals affected with TCTN1-related conditions. ClinVar contains an entry for this variant (Variation ID: 1343515). Algorithms developed to predict the effect of sequence changes on RNA splicing suggest that this variant may disrupt the consensus splice site. In summary, the currently available evidence indicates that the variant is pathogenic, but additional data are needed to prove that conclusively. Therefore, this variant has been classified as Likely Pathogenic.

Blueprint Genetics
Classification: Likely pathogenic for TCTN1-related disorders. Last evaluated: 2022-03-30. Review status: criteria provided, single submitter. Criteria: ACMG Guidelines, 2015. Collection method: clinical testing. Allele origin: germline. Affected: yes. Observed: 5 variant alleles.

Women's Health and Genetics/Laboratory Corporation of America, LabCorp
Classification: Likely pathogenic for Joubert syndrome and related disorders. Last evaluated: 2022-02-03. Review status: criteria provided, single submitter. Criteria: LabCorp Variant Classification Summary - May 2015. Collection method: clinical testing. Allele origin: germline.
Comment: Variant summary: TCTN1 c.712+1G>A is located in a canonical splice-site and is predicted to affect mRNA splicing resulting in a significantly altered protein due to either exon skipping, shortening, or inclusion of intronic material. Several computational tools predict a significant impact on normal splicing: Four predict the variant abolishes a 5' splicing donor site. However, these predictions have yet to be confirmed by functional studies. The variant allele was found at a frequency of 1.2e-05 in 249502 control chromosomes. To our knowledge, no occurrence of c.712+1G>A in individuals affected with Joubert Syndrome And Related Disorders and no experimental evidence demonstrating its impact on protein function have been reported. No clinical diagnostic laboratories have submitted clinical-significance assessments for this variant to ClinVar after 2014. Based on the evidence outlined above, the variant was classified as likely pathogenic.

Literature cited by the submitters: PubMed 16199547 (cited by Labcorp Genetics (formerly Invitae), Labcorp); PubMed 21725307 (cited by Labcorp Genetics (formerly Invitae), Labcorp); PubMed 22693042 (cited by Labcorp Genetics (formerly Invitae), Labcorp); PubMed 27894351 (cited by Labcorp Genetics (formerly Invitae), Labcorp).